The following is an entry in ClinVar:

ClinVar aggregate classification (germline): Benign/Likely benign. Review status: criteria provided, multiple submitters, no conflicts (2 of 4 stars). 13 submissions from 12 submitters: Benign (8); Likely benign (3). 2 of the submissions do not count toward it. Last evaluated 2026-06-16.

Conditions:
Polyps, multiple and recurrent inflammatory fibroid, gastrointestinal. Identifiers: MedGen C5193005, MONDO:0008285, OMIM 175510.
Gastrointestinal stromal tumor. Also called: Gastrointestinal stromal tumor, somatic; Gastrointestinal stroma tumor. Identifiers: Orphanet 44890, MedGen C0238198, MeSH D046152, MONDO:0011719, OMIM 606764, HP:0100723.
Idiopathic hypereosinophilic syndrome (HES). Identifiers: Orphanet 3260, MedGen C0206141, MONDO:0011895, OMIM 607685. Disease mechanism: gain of function.
Hereditary cancer-predisposing syndrome. Also called: Hereditary neoplastic syndrome; Hereditary Cancer Syndrome; Neoplastic Syndromes, Hereditary; Tumor predisposition. Identifiers: Orphanet 140162, MedGen C0027672, MeSH D009386, MONDO:0015356.

Allele frequency attached by ClinVar (database versions not stated): 1000 Genomes Project 0.02196; 1000 Genomes Project 30x 0.02217; TOPMed 0.04089; gnomAD 0.04639 and 0.04647; gnomAD exomes 0.04881 and 0.06499; ExAC 0.05004; ESP Exome Variant Server 0.05344.
gnomAD v4.1: 101,343 of 1,612,354 alleles (6.3%); highest among the groups gnomAD compares: Non-Finnish European, 7.3%; 3,637 homozygotes.

Submissions (25):

Myriad Genetics, Inc.
Classification: Benign for Polyps, multiple and recurrent inflammatory fibroid, gastrointestinal. Last evaluated: 2026-06-16. Review status: criteria provided, single submitter. Criteria: Myriad Autosomal Dominant, Autosomal Recessive and X-Linked Classification Criteria (2023). Collection method: clinical testing. Allele origin: unknown.
Comment: This variant is considered benign. This variant is intronic and is not expected to impact mRNA splicing. This variant has been observed at a population frequency that is significantly greater than expected given the associated disease prevalence and penetrance.

Labcorp Genetics (formerly Invitae), Labcorp
Classification: Benign for Gastrointestinal stromal tumor. Last evaluated: 2026-02-04. Review status: criteria provided, single submitter. Criteria: Invitae Variant Classification Sherloc (09022015). Collection method: clinical testing. Allele origin: germline.

ARUP Laboratories, Molecular Genetics and Genomics, ARUP Laboratories
Classification: Benign. Last evaluated: 2025-07-30. Review status: criteria provided, single submitter. Criteria: ARUP Molecular Germline Variant Investigation Process 2024. Collection method: clinical testing. Allele origin: germline.

Mayo Clinic Laboratories, Mayo Clinic
Classification: Benign. Last evaluated: 2022-01-03. Review status: criteria provided, single submitter. Criteria: ACMG Guidelines, 2015. Collection method: clinical testing. Allele origin: germline. Observed: 66 variant alleles.
Comment: BA1

Sema4
Classification: Benign for Hereditary cancer-predisposing syndrome. Last evaluated: 2020-02-06. Review status: criteria provided, single submitter. Criteria: Sema4 Curation Guidelines. Collection method: curation. Allele origin: germline.

Ambry Genetics
Classification: Benign for Hereditary cancer-predisposing syndrome. Last evaluated: 2018-09-13. Review status: criteria provided, single submitter. Criteria: Ambry Variant Classification Scheme 2023. Collection method: clinical testing. Allele origin: germline.

GeneDx
Classification: Benign. Last evaluated: 2018-06-22. Review status: criteria provided, single submitter. Criteria: GeneDx Variant Classification Process June 2021. Collection method: clinical testing. Allele origin: germline. Affected: yes.
Comment: This variant is associated with the following publications: (PMID: 27884173, 20169295)

Illumina Laboratory Services, Illumina
Classification: Likely benign for Gastrointestinal stromal tumor. Last evaluated: 2017-04-27. Review status: criteria provided, single submitter. Criteria: ICSL Variant Classification Criteria 13 December 2019. Collection method: clinical testing. Allele origin: germline.
Comment: This variant was observed as part of a predisposition screen in an ostensibly healthy population. A literature search was performed for the gene, cDNA change, and amino acid change (where applicable). No publications were found based on this search. Allele frequency data from public databases allowed determination this variant is unlikely to cause disease. Therefore, this variant is classified as likely benign.

Illumina Laboratory Services, Illumina
Classification: Likely benign for Idiopathic hypereosinophilic syndrome. Last evaluated: 2017-04-27. Review status: criteria provided, single submitter. Criteria: ICSL Variant Classification Criteria 13 December 2019. Collection method: clinical testing. Allele origin: germline.
Comment: This variant was observed as part of a predisposition screen in an ostensibly healthy population. A literature search was performed for the gene, cDNA change, and amino acid change (where applicable). Publications were found based on this search. The evidence from the literature, in combination with allele frequency data from public databases where available, was sufficient to determine this variant is unlikely to cause disease. Therefore, this variant is classified as likely benign.

Breakthrough Genomics
Classification: Likely benign. Review status: criteria provided, single submitter. Criteria: ACMG Guidelines, 2015. Collection method: not provided. Allele origin: germline. Inheritance: Autosomal dominant inheritance. Affected: yes.

PreventionGenetics, part of Exact Sciences
Classification: Benign. Review status: criteria provided, single submitter. Criteria: ACMG Guidelines, 2015. Collection method: clinical testing. Allele origin: germline.

Diagnostic Laboratory, Department of Genetics, University Medical Center Groningen
Classification: Benign. Review status: no assertion criteria provided. Collection method: clinical testing. Allele origin: germline. Affected: yes. Study: VKGL Data-share Consensus. Not counted in ClinVar's aggregate classification.

Dr. Peter K. Rogan Lab, Western University
No classification provided (evidence only). Condition: Acute myeloid leukemia. Review status: no classification provided. Collection method: in vitro. Allele origin: not applicable. Functional consequence: retained intron. Not counted in ClinVar's aggregate classification.

Dr. Peter K. Rogan Lab, Western University
No classification provided (evidence only). Condition: Colorectal cancer. Review status: no classification provided. Collection method: in vitro. Allele origin: not applicable. Functional consequence: retained intron. Not counted in ClinVar's aggregate classification.

Dr. Peter K. Rogan Lab, Western University
No classification provided (evidence only). Condition: Colorectal cancer. Review status: no classification provided. Collection method: in vitro. Allele origin: not applicable. Functional consequence: retained intron. Not counted in ClinVar's aggregate classification.

Dr. Peter K. Rogan Lab, Western University
No classification provided (evidence only). Condition: Colorectal cancer. Review status: no classification provided. Collection method: in vitro. Allele origin: not applicable. Functional consequence: retained intron. Not counted in ClinVar's aggregate classification.

Dr. Peter K. Rogan Lab, Western University
No classification provided (evidence only). Condition: Nonpapillary renal cell carcinoma. Review status: no classification provided. Collection method: in vitro. Allele origin: not applicable. Functional consequence: retained intron. Not counted in ClinVar's aggregate classification.

Dr. Peter K. Rogan Lab, Western University
No classification provided (evidence only). Condition: Uterine carcinosarcoma. Review status: no classification provided. Collection method: in vitro. Allele origin: not applicable. Functional consequence: retained intron. Not counted in ClinVar's aggregate classification.

Dr. Peter K. Rogan Lab, Western University
No classification provided (evidence only). Condition: Familial pancreatic carcinoma. Review status: no classification provided. Collection method: in vitro. Allele origin: not applicable. Functional consequence: retained intron. Not counted in ClinVar's aggregate classification.

Dr. Peter K. Rogan Lab, Western University
No classification provided (evidence only). Condition: Familial pancreatic carcinoma. Review status: no classification provided. Collection method: in vitro. Allele origin: not applicable. Functional consequence: retained intron. Not counted in ClinVar's aggregate classification.

Dr. Peter K. Rogan Lab, Western University
No classification provided (evidence only). Condition: Familial pancreatic carcinoma. Review status: no classification provided. Collection method: in vitro. Allele origin: not applicable. Functional consequence: retained intron. Not counted in ClinVar's aggregate classification.

Dr. Peter K. Rogan Lab, Western University
No classification provided (evidence only). Condition: Familial pancreatic carcinoma. Review status: no classification provided. Collection method: in vitro. Allele origin: not applicable. Functional consequence: retained intron. Not counted in ClinVar's aggregate classification.

Dr. Peter K. Rogan Lab, Western University
No classification provided (evidence only). Condition: Ovarian cancer. Review status: no classification provided. Collection method: in vitro. Allele origin: not applicable. Functional consequence: retained intron. Not counted in ClinVar's aggregate classification.

Dr. Peter K. Rogan Lab, Western University
No classification provided (evidence only). Condition: Ovarian cancer. Review status: no classification provided. Collection method: in vitro. Allele origin: not applicable. Functional consequence: retained intron. Not counted in ClinVar's aggregate classification.

Laboratory of Diagnostic Genome Analysis, Leiden University Medical Center (LUMC)
Classification: Benign. Review status: no assertion criteria provided. Collection method: clinical testing. Allele origin: germline. Affected: yes. Study: VKGL Data-share Consensus. Not counted in ClinVar's aggregate classification.

Literature cited by the submitters: PubMed 20169295 (cited by Illumina Laboratory Services, Illumina).

NM_006206.6(PDGFRA):c.368-3C>T

Gene: PDGFRA (platelet derived growth factor receptor alpha; plus strand). Cytogenetic location: 4q12.
Variant type: single nucleotide variant.
Coding change: c.368-3C>T on transcript NM_006206.6 (MANE Select); 3 bases into the intron before coding-DNA position 368, C replaced by T.
Molecular consequence: intron variant.
Genome position (GRCh38, 1-based): chr4:54,263,664, C>T. VCF-style: chr4-54263664-C-T. GRCh37 (hg19) VCF-style: chr4-55129831-C-T.
Other names: p.?; c.443-3C>T (NM_001347828.2); c.368-3C>T (NM_001347827.2, NM_001347829.2); c.407-3C>T (NM_001347830.2).
Identifiers: ClinVar variation 259954 (VCV000259954.34), dbSNP rs55947416, ClinGen allele CA2922278.